The following is an entry in ClinVar:

NM_001367624.2(ZNF469):c.7867_7868delinsAA (p.Ser2623Asn)

Gene: ZNF469 (zinc finger protein 469; plus strand). Cytogenetic location: 16q24.2.
Variant type: Indel.
Coding change: c.7867_7868delinsAA on transcript NM_001367624.2 (MANE Select); coding-DNA positions 7867 to 7868, TC replaced by AA.
Protein change: p.Ser2623Asn; replaces serine 2623 with asparagine.
Molecular consequence: missense variant.
Genome position (GRCh38, 1-based): chr16:88,435,337-88,435,338, TC replaced by AA. VCF-style: chr16-88435337-TC-AA. GRCh37 (hg19) VCF-style: chr16-88501745-TC-AA.
Other names: NM_001127464.1:c.7783_7784delTCinsAA; short protein forms S2623N.
Identifiers: ClinVar variation 1760610 (VCV001760610.2), dbSNP rs2507597815, ClinGen allele CA2580092469.

ClinVar aggregate classification (germline): Uncertain significance (1 of 4 stars; one submission).

Conditions:
Cardiovascular phenotype. Identifiers: MedGen CN230736.

Submission:

Ambry Genetics
Classification: Uncertain significance for Cardiovascular phenotype. Last evaluated: 2020-12-15. Review status: criteria provided, single submitter. Criteria: Ambry Variant Classification Scheme 2023. Collection method: clinical testing. Allele origin: germline.
Comment: The c.7783_7784delTCinsAA variant (also known as p.S2595N), located in coding exon 2 of the ZNF469 gene, results from an in-frame deletion of TC and insertion of AA at nucleotide positions 7783 to 7784. This results in the substitution of the serine residue for an asparagine residue at codon 2595, an amino acid with similar properties. This amino acid position is poorly conserved in available vertebrate species. In addition, this alteration is predicted to be neutral by in silico analysis (Choi Y et al. PLoS ONE. 2012; 7(10):e46688). Since supporting evidence is limited at this time, the clinical significance of this alteration remains unclear.